The following is an entry in ClinVar:

ClinVar aggregate classification (germline): Conflicting classifications of pathogenicity. Review status: criteria provided, conflicting classifications (1 of 4 stars). 2 submissions from 2 submitters: Uncertain significance (1); Likely benign (1). Last evaluated 2025-11-04.

Allele frequency attached by ClinVar (database versions not stated): ExAC 0.00003; gnomAD exomes 0.00003 and 0.00004; TOPMed 0.00006; gnomAD 0.00007 and 0.00009.
gnomAD v4.1: 55 of 1,614,006 alleles (0.0034%); highest among the groups gnomAD compares: Admixed American, 0.015%; no homozygotes.

Submissions (2):

Labcorp Genetics (formerly Invitae), Labcorp
Classification: Uncertain significance. Last evaluated: 2025-11-04. Review status: criteria provided, single submitter. Criteria: Invitae Variant Classification Sherloc (09022015). Collection method: clinical testing. Allele origin: germline.
Comment: This sequence change replaces alanine, which is neutral and non-polar, with valine, which is neutral and non-polar, at codon 127 of the MRPS16 protein (p.Ala127Val). This variant is present in population databases (rs767062387, gnomAD 0.02%). This variant has not been reported in the literature in individuals affected with MRPS16-related conditions. ClinVar contains an entry for this variant (Variation ID: 214672). Experimental studies and prediction algorithms are not available or were not evaluated, and the functional significance of this variant is currently unknown. In summary, the available evidence is currently insufficient to determine the role of this variant in disease. Therefore, it has been classified as a Variant of Uncertain Significance.

GeneDx
Classification: Likely benign. Last evaluated: 2014-10-03. Review status: criteria provided, single submitter. Criteria: GeneDx Variant Classification (06012015). Collection method: clinical testing. Allele origin: germline. Affected: yes.
Comment: This variant is considered likely benign or benign based on one or more of the following criteria: it is a conservative change, it occurs at a poorly conserved position in the protein, it is predicted to be benign by multiple in silico algorithms, and/or has population frequency not consistent with disease.

NM_016065.4(MRPS16):c.380C>T (p.Ala127Val)

Genes: DNAJC9-AS1 (DNAJC9 and MRPS16 antisense RNA 1; plus strand), MRPS16 (mitochondrial ribosomal protein S16; minus strand). Cytogenetic location: 10q22.2.
Variant type: single nucleotide variant.
Coding change: c.380C>T on transcript NM_016065.4 (MANE Select); coding-DNA position 380, C replaced by T.
Protein change: p.Ala127Val; replaces alanine 127 with valine.
Molecular consequence: missense variant.
Genome position (GRCh38, 1-based): chr10:73,250,886, G>A on the plus strand (C>T on the coding strand, the complement: MRPS16 is on the minus strand). VCF-style: chr10-73250886-G-A. GRCh37 (hg19) VCF-style: chr10-75010644-G-A.
Other names: short protein forms A127V.
Identifiers: ClinVar variation 214672 (VCV000214672.5), dbSNP rs767062387, ClinGen allele CA321355.